The following is an entry in ClinVar:

ClinVar aggregate classification (germline): Likely benign. Review status: criteria provided, single submitter (1 of 4 stars). 2 submissions from 2 submitters: Likely benign (1). 1 of the submissions does not count toward it. Last evaluated 2025-10-30.

Conditions:
Inborn genetic diseases. Identifiers: MedGen C0950123, MeSH D030342.
EP300-related disorder. Also called: EP300-related condition; EP300-related disorders.

Allele frequency attached by ClinVar (database versions not stated): gnomAD 0.00001; ExAC 0.00006.
gnomAD v4.1: 32 of 1,613,970 alleles (0.002%); highest among the groups gnomAD compares: South Asian, 0.019%; no homozygotes.

Submissions (2):

Ambry Genetics
Classification: Likely benign for Inborn genetic diseases. Last evaluated: 2025-10-30. Review status: criteria provided, single submitter. Criteria: Ambry Variant Classification Scheme 2023. Collection method: clinical testing. Allele origin: germline.

PreventionGenetics, part of Exact Sciences
Classification: Likely benign for EP300-related condition. Last evaluated: 2023-03-06. Review status: no assertion criteria provided. Collection method: clinical testing. Allele origin: germline. Not counted in ClinVar's aggregate classification.
Comment: This variant is classified as likely benign based on ACMG/AMP sequence variant interpretation guidelines (Richards et al. 2015 PMID: 25741868, with internal and published modifications).

NM_001429.4(EP300):c.1594A>G (p.Met532Val)

Gene: EP300 (EP300 lysine acetyltransferase; plus strand). Cytogenetic location: 22q13.2.
Variant type: single nucleotide variant.
Coding change: c.1594A>G on transcript NM_001429.4 (MANE Select); coding-DNA position 1594, A replaced by G.
Protein change: p.Met532Val; replaces methionine 532 with valine.
Molecular consequence: missense variant.
Genome position (GRCh38, 1-based): chr22:41,135,878, A>G. VCF-style: chr22-41135878-A-G. GRCh37 (hg19) VCF-style: chr22-41531882-A-G.
Other names: c.1594A>G, p.Met532Val (NM_001362843.2); short protein forms M532V.
Identifiers: ClinVar variation 3034952 (VCV003034952.3), dbSNP rs771622894, ClinGen allele CA10252557.